The following is an entry in ClinVar:

ClinVar aggregate classification (germline): Uncertain significance (1 of 4 stars; one submission).

Conditions:
Brugada syndrome 8 (BRGDA8). Identifiers: Orphanet 130, MedGen C2751083, MONDO:0013148, OMIM 613123.

gnomAD v4.1: 1 of 1,609,632 alleles (0.000062%); highest among the groups gnomAD compares: Non-Finnish European, 0.000085%; no homozygotes.

Submission:

Labcorp Genetics (formerly Invitae), Labcorp
Classification: Uncertain significance for Brugada syndrome 8. Last evaluated: 2024-05-06. Review status: criteria provided, single submitter. Criteria: Invitae Variant Classification Sherloc (09022015). Collection method: clinical testing. Allele origin: germline.
Comment: This sequence change replaces proline, which is neutral and non-polar, with leucine, which is neutral and non-polar, at codon 884 of the HCN4 protein (p.Pro884Leu). This variant is not present in population databases (gnomAD no frequency). This variant has not been reported in the literature in individuals affected with HCN4-related conditions. Advanced modeling of protein sequence and biophysical properties (such as structural, functional, and spatial information, amino acid conservation, physicochemical variation, residue mobility, and thermodynamic stability) performed at Invitae indicates that this missense variant is not expected to disrupt HCN4 protein function with a negative predictive value of 95%. In summary, the available evidence is currently insufficient to determine the role of this variant in disease. Therefore, it has been classified as a Variant of Uncertain Significance.

NM_005477.3(HCN4):c.2651C>T (p.Pro884Leu)

Gene: HCN4 (hyperpolarization activated cyclic nucleotide gated potassium channel 4; minus strand). Cytogenetic location: 15q24.1.
Variant type: single nucleotide variant.
Coding change: c.2651C>T on transcript NM_005477.3 (MANE Select); coding-DNA position 2651, C replaced by T.
Protein change: p.Pro884Leu; replaces proline 884 with leucine.
Molecular consequence: missense variant.
Genome position (GRCh38, 1-based): chr15:73,323,442, G>A on the plus strand (C>T on the coding strand, the complement: HCN4 is on the minus strand). VCF-style: chr15-73323442-G-A. GRCh37 (hg19) VCF-style: chr15-73615783-G-A.
Other names: short protein forms P884L.
Identifiers: ClinVar variation 3636612 (VCV003636612.2).
Genomic context (GRCh38, chr15:73,323,442, plus strand): 5'-ATGGTGGTGGCGGCTACGCCAGCTGATGGTGTGGGAGCCGAGGGGGAGCCACAGGCCCCG[G>A]GGGGTGGGGAGGAGCTGGATGAGGGCAGGAGTGGGCTCAGTCCAGCGGGGGCAGAGAATC-3'
Protein context (NP_005468.1, residues 874-894): LLPSSSSSPP[Pro884Leu]GACGSPSAPT